The following is an entry in ClinVar:

NM_001875.5(CPS1):c.504G>T (p.Met168Ile)

Gene: CPS1 (carbamoyl-phosphate synthase 1; plus strand). Cytogenetic location: 2q34.
Variant type: single nucleotide variant.
Coding change: c.504G>T on transcript NM_001875.5 (MANE Select); coding-DNA position 504, G replaced by T.
Protein change: p.Met168Ile; replaces methionine 168 with isoleucine.
Molecular consequence: missense variant. On other transcripts: non-coding transcript variant (1).
Genome position (GRCh38, 1-based): chr2:210,579,746, G>T. VCF-style: chr2-210579746-G-T. GRCh37 (hg19) VCF-style: chr2-211444470-G-T.
Other names: c.504G>T, p.Met168Ile (NM_001122633.3, NM_001369257.1); c.537G>T, p.Met179Ile (NM_001369256.1); short protein forms M179I, M168I.
Identifiers: ClinVar variation 1398958 (VCV001398958.4), dbSNP rs1194500413, ClinGen allele CA350425806.

ClinVar aggregate classification (germline): Uncertain significance (1 of 4 stars; one submission).

Conditions:
Congenital hyperammonemia, type I. Also called: Carbamoyl phosphate synthetase I deficiency disease; CPS I DEFICIENCY; Carbamoyl phosphate synthetase 1 deficiency; Hyperammonemia due to carbamoyl phosphate synthetase 1 deficiency; CPS 1 deficiency; Carbamyl phosphate synthetase (CPS) deficiency. Identifiers: Orphanet 147, MedGen C4082171, MONDO:0009376, OMIM 237300.

Submission:

Labcorp Genetics (formerly Invitae), Labcorp
Classification: Uncertain significance for Congenital hyperammonemia, type I. Last evaluated: 2026-01-19. Review status: criteria provided, single submitter. Criteria: Invitae Variant Classification Sherloc (09022015). Collection method: clinical testing. Allele origin: germline.
Comment: This sequence change replaces methionine, which is neutral and non-polar, with isoleucine, which is neutral and non-polar, at codon 168 of the CPS1 protein (p.Met168Ile). This variant is not present in population databases (gnomAD no frequency). This variant has not been reported in the literature in individuals affected with CPS1-related conditions. ClinVar contains an entry for this variant (Variation ID: 1398958). Invitae Evidence Modeling of protein sequence and biophysical properties (such as structural, functional, and spatial information, amino acid conservation, physicochemical variation, residue mobility, and thermodynamic stability) indicates that this missense variant is not expected to disrupt CPS1 protein function with a negative predictive value of 95%. In summary, the available evidence is currently insufficient to determine the role of this variant in disease. Therefore, it has been classified as a Variant of Uncertain Significance.